The following is an entry in ClinVar:

ClinVar aggregate classification (germline): Uncertain significance. Review status: criteria provided, multiple submitters, no conflicts (2 of 4 stars). 9 submissions from 9 submitters: Uncertain significance (8). 1 of the submissions does not count toward it. Last evaluated 2025-10-23.

Conditions:
Breast-ovarian cancer, familial, susceptibility to, 2 (BROVCA2). Also called: BRCA2 Hereditary Breast and Ovarian Cancer. Identifiers: Orphanet 145, MedGen C2675520, MONDO:0012933, OMIM 612555. Disease mechanism: loss of function.
Hereditary cancer-predisposing syndrome. Also called: Hereditary neoplastic syndrome; Hereditary Cancer Syndrome; Neoplastic Syndromes, Hereditary; Tumor predisposition. Identifiers: Orphanet 140162, MedGen C0027672, MeSH D009386, MONDO:0015356.
Hereditary breast ovarian cancer syndrome. Also called: Hereditary breast and ovarian cancer syndrome; Breast and ovarian cancer; BRCA1- and BRCA2-Associated Hereditary Breast and Ovarian Cancer; Hereditary breast and ovarian cancer syndrome (HBOC); Hereditary breast and ovarian cancer; Hereditary breast and/or ovarian cancer syndrome. Identifiers: Orphanet 145, MedGen C0677776, MeSH D061325, MONDO:0003582. Disease mechanism: loss of function.
Fanconi anemia complementation group D1. Also called: BRCA2-Related Fanconi Anemia. Identifiers: Orphanet 319462, MedGen C1838457, MONDO:0011584, OMIM 605724.
Familial cancer of breast. Also called: BREAST CANCER, FAMILIAL; hereditary breast carcinoma; Hereditary breast cancer. Identifiers: Orphanet 227535, MedGen C0346153, MONDO:0016419, OMIM 114480. Disease mechanism: loss of function.
Medulloblastoma (MDB). Also called: Medulloblastoma, somatic; MEDULLOBLASTOMA PREDISPOSITION SYNDROME. Identifiers: Orphanet 616, MedGen C0025149, MeSH D008527, MONDO:0007959, OMIM 155255, HP:0002885.
Pancreatic cancer, susceptibility to, 2. Identifiers: Orphanet 1333, MedGen C3150546, MONDO:0013235, OMIM 613347.
Glioma susceptibility 3 (GLM3). Also called: Glioblastoma 3. Identifiers: Orphanet 182067, Orphanet 360, MedGen C2751641, MONDO:0013093, OMIM 613029.
Familial prostate cancer. Also called: Hereditary Prostate Cancer. Identifiers: MedGen C2931456, MONDO:0700275, OMIM 176807.
Wilms tumor 1 (WT1). Also called: Wilms tumor, somatic. Identifiers: Orphanet 654, MedGen CN033288, MONDO:0008679, OMIM 194070.

Allele frequency attached by ClinVar (database versions not stated): gnomAD exomes below 0.00001; ExAC 0.00001.
gnomAD v4.1: 1 of 1,613,696 alleles (0.000062%); highest among the groups gnomAD compares: Admixed American, 0.0017%; no homozygotes.

Submissions (9):

Quest Diagnostics Nichols Institute San Juan Capistrano
Classification: Uncertain significance. Last evaluated: 2025-10-23. Review status: criteria provided, single submitter. Criteria: Quest Diagnostics criteria. Collection method: clinical testing. Allele origin: unknown.
Comment: The BRCA2 c.7661G>A (p.Ser2554Asn) variant has been reported in the published literature in an individual with breast cancer (PMID: 33471991 (2021), see also LOVD). This variant has also been reported to have a deleterious effect on BRCA2 protein function (PMID: 39779848 (2025)), however additional studies are needed to validate this finding. The frequency of this variant in the general population (Genome Aggregation Database) is uninformative in the assessment of its pathogenicity. Analysis of this variant using bioinformatics tools for the prediction of the effect of amino acid changes on protein structure and function yielded conflicting predictions that this variant is benign or damaging. Based on the available information, we are unable to determine the clinical significance of this variant.

Labcorp Genetics (formerly Invitae), Labcorp
Classification: Uncertain significance for Hereditary breast ovarian cancer syndrome. Last evaluated: 2025-09-04. Review status: criteria provided, single submitter. Criteria: Invitae Variant Classification Sherloc (09022015). Collection method: clinical testing. Allele origin: germline.
Comment: This sequence change replaces serine, which is neutral and polar, with asparagine, which is neutral and polar, at codon 2554 of the BRCA2 protein (p.Ser2554Asn). This variant is present in population databases (rs398122588, gnomAD 0.003%). This variant has not been reported in the literature in individuals affected with BRCA2-related conditions. ClinVar contains an entry for this variant (Variation ID: 91489). Invitae Evidence Modeling of protein sequence and biophysical properties (such as structural, functional, and spatial information, amino acid conservation, physicochemical variation, residue mobility, and thermodynamic stability) indicates that this missense variant is not expected to disrupt BRCA2 protein function with a negative predictive value of 95%. In summary, the available evidence is currently insufficient to determine the role of this variant in disease. Therefore, it has been classified as a Variant of Uncertain Significance.

Fulgent Genetics
Classification: Uncertain significance for Familial cancer of breast; Medulloblastoma; Familial prostate cancer; Wilms tumor 1; Fanconi anemia complementation group D1; Breast-ovarian cancer, familial, susceptibility to, 2; Glioma susceptibility 3; Pancreatic cancer, susceptibility to, 2. Last evaluated: 2024-04-04. Review status: criteria provided, single submitter. Criteria: ACMG Guidelines, 2015. Collection method: clinical testing. Allele origin: germline.

Ambry Genetics
Classification: Uncertain significance for Hereditary cancer-predisposing syndrome. Last evaluated: 2024-02-25. Review status: criteria provided, single submitter. Criteria: Ambry Variant Classification Scheme 2023. Collection method: clinical testing. Allele origin: germline.
Comment: The p.S2554N variant (also known as c.7661G>A), located in coding exon 15 of the BRCA2 gene, results from a G to A substitution at nucleotide position 7661. The serine at codon 2554 is replaced by asparagine, an amino acid with highly similar properties. This amino acid position is highly conserved in available vertebrate species. In addition, the in silico prediction for this alteration is inconclusive. Since supporting evidence is limited at this time, the clinical significance of this alteration remains unclear.

All of Us Research Program, National Institutes of Health
Classification: Uncertain significance for Breast-ovarian cancer, familial, susceptibility to, 2. Last evaluated: 2023-08-15. Review status: criteria provided, single submitter. Criteria: ACMG Guidelines, 2015. Collection method: clinical testing. Allele origin: germline. Inheritance: Autosomal dominant inheritance. Observed: 1 variant allele, 1 heterozygote.
Comment: This missense variant replaces serine with asparagine at codon 2554 of the BRCA2 protein. Computational prediction is inconclusive regarding the impact of this variant on protein structure and function (internally defined REVEL score threshold 0.5 < inconclusive < 0.7, PMID: 27666373). To our knowledge, functional studies have not been reported for this variant. This variant has not been reported in individuals affected with hereditary cancer in the literature. This variant has been identified in 1/251154 chromosomes in the general population by the Genome Aggregation Database (gnomAD). The available evidence is insufficient to determine the role of this variant in disease conclusively. Therefore, this variant is classified as a Variant of Uncertain Significance.

This study involves interpretation of variants in research participants for the purpose of population health screening. Participant phenotype was not available at the time of variant classification. Additional details can be found in publication PMID: 35346344, PMCID: PMC8962531

GeneDx
Classification: Uncertain significance. Last evaluated: 2023-05-30. Review status: criteria provided, single submitter. Criteria: GeneDx Variant Classification Process June 2021. Collection method: clinical testing. Allele origin: germline. Affected: yes.
Comment: Not observed at significant frequency in large population cohorts (gnomAD); Has not been previously published as pathogenic or benign to our knowledge; In silico analysis supports that this missense variant does not alter protein structure/function; Also known as 7889G>A; This variant is associated with the following publications: (PMID: 12228710)

Sema4
Classification: Uncertain significance for Hereditary cancer-predisposing syndrome. Last evaluated: 2021-09-16. Review status: criteria provided, single submitter. Criteria: Sema4 Curation Guidelines. Collection method: curation. Allele origin: germline.
Comment: The BRCA2 c.7661G>A (p.S2554N) variant has been reported in heterozygosity in at least one individual with breast cancer (PMID: 33471991). This variant was observed in 1/251154 chromosomes in the Genome Aggregation Database (PMID: 32461654), and has been reported in ClinVar (Variation ID: 91489). Functional studies have not been performed, and in silico predictions of the variant's effect on protein function are inconclusive. Based on the current evidence available, this variant is interpreted as a variant of uncertain significance.

CeGaT Center for Human Genetics Tuebingen
Classification: Uncertain significance. Last evaluated: 2018-12-01. Review status: criteria provided, single submitter. Criteria: CeGaT Center For Human Genetics Tuebingen Variant Classification Criteria Version 2. Collection method: clinical testing. Allele origin: germline. Affected: yes. Observed: 1 variant allele.

Sharing Clinical Reports Project (SCRP)
Classification: Uncertain significance for Breast-ovarian cancer, familial 2. Last evaluated: 2007-08-27. Review status: no assertion criteria provided. Collection method: clinical testing. Allele origin: germline. Not counted in ClinVar's aggregate classification.

Literature cited by the submitters: PubMed 33471991 (cited by Quest Diagnostics Nichols Institute San Juan Capistrano and Sema4); PubMed 31853058 (cited by Quest Diagnostics Nichols Institute San Juan Capistrano); PubMed 39779848 (cited by Quest Diagnostics Nichols Institute San Juan Capistrano).

NM_000059.4(BRCA2):c.7661G>A (p.Ser2554Asn)

Gene: BRCA2 (BRCA2 DNA repair associated; plus strand). Cytogenetic location: 13q13.1.
Variant type: single nucleotide variant.
Coding change: c.7661G>A on transcript NM_000059.4 (MANE Select); coding-DNA position 7661, G replaced by A.
Protein change: p.Ser2554Asn; replaces serine 2554 with asparagine.
Molecular consequence: missense variant.
Genome position (GRCh38, 1-based): chr13:32,357,785, G>A. VCF-style: chr13-32357785-G-A. GRCh37 (hg19) VCF-style: chr13-32931922-G-A.
Other names: p.S2554N:AGC>AAC; 7889G>A; short protein forms S2554N.
Identifiers: ClinVar variation 91489 (VCV000091489.62), dbSNP rs398122588, ClinGen allele CA025215.